The following is an entry in ClinVar:

NM_020987.5(ANK3):c.3068G>A (p.Arg1023His)

Gene: ANK3 (ankyrin 3; minus strand). Cytogenetic location: 10q21.2.
Variant type: single nucleotide variant.
Coding change: c.3068G>A on transcript NM_020987.5 (MANE Select); coding-DNA position 3068, G replaced by A.
Protein change: p.Arg1023His; replaces arginine 1023 with histidine.
Molecular consequence: missense variant.
Genome position (GRCh38, 1-based): chr10:60,108,935, C>T on the plus strand (G>A on the coding strand, the complement: ANK3 is on the minus strand). VCF-style: chr10-60108935-C-T. GRCh37 (hg19) VCF-style: chr10-61868693-C-T.
Other names: c.470G>A, p.Arg157His (NM_001149.4); c.3050G>A, p.Arg1017His (NM_001204403.2); c.3071G>A, p.Arg1024His (NM_001204404.2); c.3068G>A, p.Arg1023His (NM_001320874.2); short protein forms R1017H, R1023H, R1024H, R157H.
Identifiers: ClinVar variation 3371426 (VCV003371426.1).

ClinVar aggregate classification (germline): Uncertain significance (1 of 4 stars; one submission).

gnomAD v4.1: 11 of 1,614,028 alleles (0.00068%); highest among the groups gnomAD compares: South Asian, 0.0011%; no homozygotes.

Submission:

GeneDx
Classification: Uncertain significance. Last evaluated: 2024-04-07. Review status: criteria provided, single submitter. Criteria: GeneDx Variant Classification Process June 2021. Collection method: clinical testing. Allele origin: germline. Affected: yes.
Comment: Not observed at significant frequency in large population cohorts (gnomAD); In silico analysis supports that this missense variant has a deleterious effect on protein structure/function; Has not been previously published as pathogenic or benign to our knowledge